The following is an entry in ClinVar:

ClinVar aggregate classification (germline): Likely benign (1 of 4 stars; one submission).

Submission:

CeGaT Center for Human Genetics Tuebingen
Classification: Likely benign. Last evaluated: 2025-08-01. Review status: criteria provided, single submitter. Criteria: CeGaT Center For Human Genetics Tuebingen Variant Classification Criteria Version 2. Collection method: clinical testing. Allele origin: germline. Affected: yes. Observed: 1 variant allele.
Comment: BLM: PM2:Supporting, BP4, BP7

NM_000057.4(BLM):c.2062C>T (p.Leu688=)

Gene: BLM (BLM RecQ like helicase; plus strand). Cytogenetic location: 15q26.1.
Variant type: single nucleotide variant.
Coding change: c.2062C>T on transcript NM_000057.4 (MANE Select); coding-DNA position 2062, C replaced by T.
Protein change: p.Leu688=; no amino-acid change (leucine 688 retained).
Molecular consequence: synonymous variant.
Genome position (GRCh38, 1-based): chr15:90,763,145, C>T. VCF-style: chr15-90763145-C-T. GRCh37 (hg19) VCF-style: chr15-91306375-C-T.
Other names: c.2062C>T, p.Leu688= (NM_001287246.2, NM_001287247.2); c.937C>T, p.Leu313= (NM_001287248.2).
Identifiers: ClinVar variation 4085763 (VCV004085763.8).